The following is an entry in ClinVar:

NM_003366.4(UQCRC2):c.547C>T (p.Arg183Trp)

Genes: PDZD9 (PDZ domain containing 9), UQCRC2 (ubiquinol-cytochrome c reductase core protein 2). Cytogenetic location: 16p12.2.
Variant type: single nucleotide variant.
Coding change: c.547C>T on transcript NM_003366.4 (MANE Select); coding-DNA position 547, C replaced by T.
Protein change: p.Arg183Trp; replaces arginine 183 with tryptophan.
Molecular consequence: missense variant.
Genome position (GRCh38, 1-based): chr16:21,965,440, C>T. VCF-style: chr16-21965440-C-T. GRCh37 (hg19) VCF-style: chr16-21976761-C-T.
Other names: short protein forms R183W.
Identifiers: ClinVar variation 41880 (VCV000041880.13), dbSNP rs374661051, ClinGen allele CA130879.
Genomic context (GRCh38, chr16:21,965,440, plus strand): 5'-CCTAAATGCTTCTTCACTTATCTCACAGATGTCATTGAAAATTTGCATGCAGCAGCTTAC[C>T]GGAATGCCTTGGCTAATCCCTTGTATTGTCCTGACTATAGGATTGGAAAAGTGACATCAG-3'
Protein context (NP_003357.2, residues 173-193): VIENLHAAAY[Arg183Trp]NALANPLYCP

ClinVar aggregate classification (germline): Pathogenic/Likely pathogenic. Review status: criteria provided, multiple submitters, no conflicts (2 of 4 stars). 6 submissions from 6 submitters: Pathogenic (3); Likely pathogenic (2). 1 of the submissions does not count toward it. Last evaluated 2025-05-24.

Conditions:
Mitochondrial complex III deficiency nuclear type 5. Identifiers: MedGen C3554608, MONDO:0014066, OMIM 615160.

Allele frequency attached by ClinVar (database versions not stated): TOPMed 0.00002.
gnomAD v4.1: 14 of 1,613,750 alleles (0.00087%); highest among the groups gnomAD compares: Middle Eastern, 0.016%; no homozygotes.

Submissions (6):

Labcorp Genetics (formerly Invitae), Labcorp
Classification: Pathogenic. Last evaluated: 2025-05-24. Review status: criteria provided, single submitter. Criteria: Invitae Variant Classification Sherloc (09022015). Collection method: clinical testing. Allele origin: germline.
Comment: This sequence change replaces arginine, which is basic and polar, with tryptophan, which is neutral and slightly polar, at codon 183 of the UQCRC2 protein (p.Arg183Trp). This variant is present in population databases (rs374661051, gnomAD 0.003%). This missense change has been observed in individuals with mitochondrial complex III deficiency (PMID: 23281071, 28275242; external communication). It has also been observed to segregate with disease in related individuals. ClinVar contains an entry for this variant (Variation ID: 41880). Invitae Evidence Modeling of protein sequence and biophysical properties (such as structural, functional, and spatial information, amino acid conservation, physicochemical variation, residue mobility, and thermodynamic stability) indicates that this missense variant is expected to disrupt UQCRC2 protein function with a positive predictive value of 80%. Studies have shown that this missense change alters UQCRC2 gene expression (PMID: 23281071). For these reasons, this variant has been classified as Pathogenic.

Genomic Medicine Center of Excellence, King Faisal Specialist Hospital and Research Centre
Classification: Likely pathogenic for Mitochondrial complex III deficiency nuclear type 5. Last evaluated: 2024-12-18. Review status: criteria provided, single submitter. Criteria: ACMG Guidelines, 2015. Collection method: clinical testing. Allele origin: germline.

GeneDx
Classification: Likely pathogenic. Last evaluated: 2023-03-01. Review status: criteria provided, single submitter. Criteria: GeneDx Variant Classification Process June 2021. Collection method: clinical testing. Allele origin: germline. Affected: yes.
Comment: In silico analysis supports that this missense variant has a deleterious effect on protein structure/function; Not observed at significant frequency in large population cohorts (gnomAD); Published functional studies suggest a damaging effect on complex activity (Miyake et al., 2013); This variant is associated with the following publications: (PMID: 23281071, 28275242, 36509339)

Revvity Omics, Revvity
Classification: Pathogenic for Mitochondrial complex III deficiency nuclear type 5. Last evaluated: 2023-01-06. Review status: criteria provided, single submitter. Criteria: ACMG Guidelines, 2015. Collection method: clinical testing. Allele origin: germline.

Equipe Genetique des Anomalies du Developpement, Université de Bourgogne
Classification: Pathogenic for Mitochondrial complex III deficiency nuclear type 5. Last evaluated: 2018-08-21. Review status: criteria provided, single submitter. Criteria: ACMG Guidelines, 2015. Collection method: clinical testing. Allele origin: inherited. Affected: yes. Observed: 2 heterozygotes, 1 homozygote.

OMIM
Classification: Pathogenic for MITOCHONDRIAL COMPLEX III DEFICIENCY, NUCLEAR TYPE 5. Last evaluated: 2013-03-01. Review status: no assertion criteria provided. Collection method: literature only. Allele origin: germline. Not counted in ClinVar's aggregate classification.

Literature cited by the submitters: PubMed 23281071 (cited by Labcorp Genetics (formerly Invitae), Labcorp and OMIM); PubMed 28275242 (cited by Labcorp Genetics (formerly Invitae), Labcorp and OMIM).